The following is an entry in ClinVar:

NM_002016.2(FLG):c.7547A>C (p.Gln2516Pro)

Genes: CCDST (cervical cancer associated DHX9 suppressive transcript; plus strand), FLG (filaggrin; minus strand). Cytogenetic location: 1q21.3.
Variant type: single nucleotide variant.
Coding change: c.7547A>C on transcript NM_002016.2 (MANE Select); coding-DNA position 7547, A replaced by C.
Protein change: p.Gln2516Pro; replaces glutamine 2516 with proline.
Molecular consequence: missense variant.
Genome position (GRCh38, 1-based): chr1:152,307,339, T>G on the plus strand (A>C on the coding strand, the complement: FLG is on the minus strand). VCF-style: chr1-152307339-T-G. GRCh37 (hg19) VCF-style: chr1-152279815-T-G.
Other names: short protein forms Q2516P.
Identifiers: ClinVar variation 4620007 (VCV004620007.1).

ClinVar aggregate classification (germline): Uncertain significance (1 of 4 stars; one submission).

Conditions:
Inborn genetic diseases. Identifiers: MedGen C0950123, MeSH D030342.

Submission:

Ambry Genetics
Classification: Uncertain significance for Inborn genetic diseases. Last evaluated: 2025-11-17. Review status: criteria provided, single submitter. Criteria: Ambry Variant Classification Scheme 2023. Collection method: clinical testing. Allele origin: germline.
Comment: The c.7547A>C (p.Q2516P) alteration is located in exon 3 (coding exon 2) of the FLG gene. This alteration results from a A to C substitution at nucleotide position 7547, causing the glutamine (Q) at amino acid position 2516 to be replaced by a proline (P). Based on data from gnomAD, the C allele has an overall frequency of <0.001% (0/251484) total alleles studied. The highest observed frequency was <0.001% (/) of alleles. Based on insufficient or conflicting evidence, the clinical significance of this alteration remains unclear.